The following is an entry in ClinVar:

NM_004360.5(CDH1):c.1224G>T (p.Ala408=)

Gene: CDH1 (cadherin 1; plus strand). Cytogenetic location: 16q22.1.
Variant type: single nucleotide variant.
Coding change: c.1224G>T on transcript NM_004360.5 (MANE Select); coding-DNA position 1224, G replaced by T.
Protein change: p.Ala408=; no amino-acid change (alanine 408 retained).
Molecular consequence: synonymous variant. On other transcripts: 5 prime UTR variant (2), intron variant (1).
Genome position (GRCh38, 1-based): chr16:68,813,399, G>T. VCF-style: chr16-68813399-G-T. GRCh37 (hg19) VCF-style: chr16-68847302-G-T.
Other names: c.-392G>T (NM_001317185.2); c.-596G>T (NM_001317186.2); c.1137+1136G>T (NM_001317184.2).
Identifiers: ClinVar variation 628062 (VCV000628062.12), dbSNP rs200161607, ClinGen allele CA496392775.
Genomic context (GRCh38, chr16:68,813,399, plus strand): 5'-GGCTAACGTCGTAATCACCACACTGAAAGTGACTGATGCTGATGCCCCCAATACCCCAGC[G>T]TGGGAGGCTGTATACACCATATTGAATGATGATGGTGGACAATTTGTCGTCACCACAAAT-3'
Protein context (NP_004351.1, residues 398-418): VTDADAPNTP[Ala408=]WEAVYTILND

ClinVar aggregate classification (germline): Benign/Likely benign. Review status: criteria provided, multiple submitters, no conflicts (2 of 4 stars). 3 submissions from 3 submitters: Benign (1); Likely benign (2). Last evaluated 2024-09-18.

Conditions:
Hereditary diffuse gastric adenocarcinoma (HDGC). Also called: DIFFUSE GASTRIC AND LOBULAR BREAST CANCER SYNDROME. Identifiers: Orphanet 26106, MedGen C1708349, MONDO:0007648, OMIM 137215.
Hereditary cancer-predisposing syndrome. Also called: Tumor predisposition; Neoplastic Syndromes, Hereditary; Hereditary Cancer Syndrome; Hereditary neoplastic syndrome. Identifiers: Orphanet 140162, MedGen C0027672, MeSH D009386, MONDO:0015356.

Submissions (3):

Myriad Genetics, Inc.
Classification: Benign for Hereditary diffuse gastric adenocarcinoma. Last evaluated: 2024-09-18. Review status: criteria provided, single submitter. Criteria: Myriad Autosomal Dominant, Autosomal Recessive and X-Linked Classification Criteria (2023). Collection method: clinical testing. Allele origin: unknown.
Comment: This variant is considered benign. This variant is a silent/synonymous amino acid change and it is not expected to impact splicing.

Labcorp Genetics (formerly Invitae), Labcorp
Classification: Likely benign for Hereditary diffuse gastric adenocarcinoma. Last evaluated: 2022-10-18. Review status: criteria provided, single submitter. Criteria: Invitae Variant Classification Sherloc (09022015). Collection method: clinical testing. Allele origin: germline.

Color Diagnostics, LLC DBA Color Health
Classification: Likely benign for Hereditary cancer-predisposing syndrome. Last evaluated: 2018-03-25. Review status: criteria provided, single submitter. Criteria: ACMG Guidelines, 2015. Collection method: clinical testing. Allele origin: germline.